The following is an entry in ClinVar:

NM_001164508.2(NEB):c.21032dup (p.Ile7012fs)

Gene: NEB (nebulin; minus strand). Cytogenetic location: 2q23.3.
Variant type: Duplication.
Coding change: c.21032dup on transcript NM_001164508.2 (MANE Select); coding-DNA position 21032, one base duplicated (G; older notation c.21032dupG).
Protein change: p.Ile7012fs; shifts the reading frame from isoleucine 7012.
Molecular consequence: frameshift variant.
Genome position (GRCh38, 1-based): chr2:151,537,942, C duplicated on the plus strand (G on the coding strand, the reverse complement: NEB is on the minus strand); the first of 3 consecutive C bases (chr2:151,537,942-151,537,944); duplicating any one gives the same sequence. VCF-style (leftmost placement, unchanged base first): chr2-151537941-A-AC. GRCh37 (hg19) VCF-style: chr2-152394455-A-AC.
Other names: c.21032dup, p.Ile7012fs (NM_001164507.2, NM_001271208.2); c.15929dup, p.Ile5311fs (NM_004543.5); short protein forms I5311fs, I7012fs.
Identifiers: ClinVar variation 5011824 (VCV005011824.1).

ClinVar aggregate classification (germline): Pathogenic (1 of 4 stars; one submission).

Conditions:
Nemaline myopathy 2 (NEM2). Also called: Nemaline myopathy 2, autosomal recessive. Identifiers: MedGen C1850569, MONDO:0009725, OMIM 256030.

Submission:

Myriad Genetics, Inc.
Classification: Pathogenic for Nemaline myopathy 2. Last evaluated: 2023-09-27. Review status: criteria provided, single submitter. Criteria: Myriad Autosomal Dominant, Autosomal Recessive and X-Linked Classification Criteria (2023). Collection method: clinical testing. Allele origin: unknown.
Comment: NM_001271208.1(NEB):c.21032dupG(I7012Yfs*7) is expected to be pathogenic in the context of NEB-related nemaline myopathy. This variant is predicted to lead to an abnormal or absent protein product due to the creation of a premature termination codon in NEB, a gene where loss-of-function variants are known to be pathogenic. Please note: this variant was assessed in the context of healthy population screening.